The following is an entry in ClinVar:

ClinVar aggregate classification (germline): Uncertain significance. Review status: criteria provided, multiple submitters, no conflicts (2 of 4 stars). 2 submissions from 2 submitters: Uncertain significance (2). Last evaluated 2025-05-01.

Conditions:
Ellis-van Creveld syndrome (EVC). Also called: MESOECTODERMAL DYSPLASIA; Chondroectodermal dysplasia. Identifiers: Orphanet 289, MedGen C0013903, MONDO:0009162, OMIM 225500.
Curry-Hall syndrome (WAD). Also called: WEYERS ACRODENTAL DYSOSTOSIS. Identifiers: Orphanet 952, MedGen C0457013, MONDO:0008673, OMIM 193530.

gnomAD v4.1: 3 of 1,614,074 alleles (0.00019%); highest among the groups gnomAD compares: Non-Finnish European, 0.00025%; no homozygotes.

Submissions (2):

CeGaT Center for Human Genetics Tuebingen
Classification: Uncertain significance. Last evaluated: 2025-05-01. Review status: criteria provided, single submitter. Criteria: CeGaT Center For Human Genetics Tuebingen Variant Classification Criteria Version 2. Collection method: clinical testing. Allele origin: germline. Affected: yes. Observed: 1 variant allele.
Comment: EVC: PM2:Supporting, BP4

Labcorp Genetics (formerly Invitae), Labcorp
Classification: Uncertain significance for Curry-Hall syndrome; Ellis-van Creveld syndrome. Last evaluated: 2022-05-18. Review status: criteria provided, single submitter. Criteria: Invitae Variant Classification Sherloc (09022015). Collection method: clinical testing. Allele origin: germline.
Comment: This sequence change replaces threonine, which is neutral and polar, with arginine, which is basic and polar, at codon 463 of the EVC protein (p.Thr463Arg). This variant is present in population databases (no rsID available, gnomAD 0.0009%). This variant has not been reported in the literature in individuals affected with EVC-related conditions. Algorithms developed to predict the effect of missense changes on protein structure and function (SIFT, PolyPhen-2, Align-GVGD) all suggest that this variant is likely to be tolerated. In summary, the available evidence is currently insufficient to determine the role of this variant in disease. Therefore, it has been classified as a Variant of Uncertain Significance.

NM_153717.3(EVC):c.1388C>G (p.Thr463Arg)

Gene: EVC (EvC ciliary complex subunit 1; plus strand). Cytogenetic location: 4p16.2.
Variant type: single nucleotide variant.
Coding change: c.1388C>G on transcript NM_153717.3 (MANE Select); coding-DNA position 1388, C replaced by G.
Protein change: p.Thr463Arg; replaces threonine 463 with arginine.
Molecular consequence: missense variant.
Genome position (GRCh38, 1-based): chr4:5,753,857, C>G. VCF-style: chr4-5753857-C-G. GRCh37 (hg19) VCF-style: chr4-5755584-C-G.
Other names: c.1388C>G, p.Thr463Arg (NM_001306090.2, NM_001306092.2); short protein forms T463R.
Identifiers: ClinVar variation 2156017 (VCV002156017.11), dbSNP rs1473605830, ClinGen allele CA356155960.